The following is an entry in ClinVar:

ClinVar aggregate classification (germline): Uncertain significance (1 of 4 stars; one submission).

Conditions:
Hereditary cancer-predisposing syndrome. Also called: Neoplastic Syndromes, Hereditary; Tumor predisposition; Hereditary Cancer Syndrome; Hereditary neoplastic syndrome. Identifiers: Orphanet 140162, MedGen C0027672, MeSH D009386, MONDO:0015356.

Submission:

Ambry Genetics
Classification: Uncertain significance for Hereditary cancer-predisposing syndrome. Last evaluated: 2019-10-23. Review status: criteria provided, single submitter. Criteria: Ambry Variant Classification Scheme 2023. Collection method: clinical testing. Allele origin: germline.
Comment: The p.I363M variant (also known as c.1089C>G), located in coding exon 8 of the CDH1 gene, results from a C to G substitution at nucleotide position 1089. The isoleucine at codon 363 is replaced by methionine, an amino acid with highly similar properties. This amino acid position is well conserved in available vertebrate species. In addition, the in silico prediction for this alteration is inconclusive. Since supporting evidence is limited at this time, the clinical significance of this alteration remains unclear.

NM_004360.5(CDH1):c.1089C>G (p.Ile363Met)

Gene: CDH1 (cadherin 1; plus strand). Cytogenetic location: 16q22.1.
Variant type: single nucleotide variant.
Coding change: c.1089C>G on transcript NM_004360.5 (MANE Select); coding-DNA position 1089, C replaced by G.
Protein change: p.Ile363Met; replaces isoleucine 363 with methionine.
Molecular consequence: missense variant. On other transcripts: 5 prime UTR variant (2).
Genome position (GRCh38, 1-based): chr16:68,812,215, C>G. VCF-style: chr16-68812215-C-G. GRCh37 (hg19) VCF-style: chr16-68846118-C-G.
Other names: c.1089C>G, p.Ile363Met (NM_001317184.2); c.-527C>G (NM_001317185.2); c.-731C>G (NM_001317186.2); short protein forms I363M.
Identifiers: ClinVar variation 1788439 (VCV001788439.2), dbSNP rs2152132632, ClinGen allele CA396460099.
Genomic context (GRCh38, chr16:68,812,215, plus strand): 5'-GGTGGTTCAAGCTGCTGACCTTCAAGGTGAGGGGTTAAGCACAACAGCAACAGCTGTGAT[C>G]ACAGTCACTGACACCAACGATAATCCTCCGATCTTCAATCCCACCACGGTAATTCTATAA-3'
Protein context (NP_004351.1, residues 353-373): EGLSTTATAV[Ile363Met]TVTDTNDNPP